The following is an entry in ClinVar:

ClinVar aggregate classification (germline): Pathogenic (1 of 4 stars; one submission).

Conditions:
Peroxisome biogenesis disorder. Identifiers: Orphanet 79189, MedGen C1832200, MONDO:0019234. Disease mechanism: loss of function.

Submission:

Myriad Genetics, Inc.
Classification: Pathogenic for Peroxisome biogenesis disorder. Last evaluated: 2025-07-26. Review status: criteria provided, single submitter. Criteria: Myriad Autosomal Dominant, Autosomal Recessive and X-Linked Classification Criteria (2023). Collection method: clinical testing. Allele origin: unknown.
Comment: NM_000466.2(PEX1):c.1412_1424del13(Q471Pfs*7) is expected to be pathogenic in the context of peroxisome biogenesis disorder type 1. This variant is predicted to lead to an abnormal or absent protein product due to the creation of a premature termination codon in PEX1, a gene where loss-of-function variants are known to be pathogenic. Please note: this variant was assessed in the context of healthy population screening.

NM_000466.3(PEX1):c.1412_1424del (p.Gln471fs)

Gene: PEX1 (peroxisomal biogenesis factor 1; minus strand). Cytogenetic location: 7q21.2.
Variant type: Deletion.
Coding change: c.1412_1424del on transcript NM_000466.3 (MANE Select); coding-DNA positions 1412 to 1424, 13 bases deleted (AGCAGTCTACTAC).
Protein change: p.Gln471fs; shifts the reading frame from glutamine 471.
Molecular consequence: frameshift variant.
Genome position (GRCh38, 1-based): chr7:92,511,639-92,511,651, GTAGTAGACTGCT deleted on the plus strand (AGCAGTCTACTAC on the coding strand, the reverse complement: PEX1 is on the minus strand); deleting any 13 consecutive bases within chr7:92,511,639-92,511,655 gives the same sequence; the c. name uses the placement nearest the transcript's 3' end. VCF-style (leftmost placement, unchanged base first): chr7-92511638-GGTAGTAGACTGCT-G. GRCh37 (hg19) VCF-style: chr7-92140952-GGTAGTAGACTGCT-G.
Other names: c.1412_1424del, p.Gln471fs (NM_001282677.2); c.788_800del, p.Gln263fs (NM_001282678.2); short protein forms Q263fs, Q471fs.
Identifiers: ClinVar variation 5014777 (VCV005014777.1).